The following is an entry in ClinVar:

ClinVar aggregate classification (germline): Pathogenic/Likely pathogenic. Review status: criteria provided, multiple submitters, no conflicts (2 of 4 stars). 6 submissions from 6 submitters: Pathogenic (1); Likely pathogenic (4). 1 of the submissions does not count toward it. Last evaluated 2025-10-16.

Conditions:
Neuronal ceroid lipofuscinosis. Also called: Neuronal Ceroid Lipofuscinoses. Identifiers: Orphanet 216, Orphanet 79263, MedGen C0027877, MONDO:0016295. Disease mechanism: loss of function.
Neuronal ceroid lipofuscinosis 1 (CLN1). Also called: CEROID LIPOFUSCINOSIS, NEURONAL, 1, VARIABLE AGE AT ONSET; PPT1-Related Neuronal Ceroid-Lipofuscinosis. Identifiers: Orphanet 228329, MedGen C1850451, MONDO:0009744, OMIM 256730.

Allele frequency attached by ClinVar (database versions not stated): TOPMed below 0.00001; gnomAD exomes 0.00001.

Submissions (6):

Natera, Inc.
Classification: Likely pathogenic for Neuronal ceroid lipofuscinosis 1. Last evaluated: 2025-10-16. Review status: criteria provided, single submitter. Criteria: Natera Variant Classification Schema (03/2026). Collection method: clinical testing. Allele origin: germline.
Comment: The c.739T>C variant in PPT1 is a missense variant predicted to cause substitution of tyrosine to histidine at amino acid 247. This variant is rare in the general population with a frequency below the threshold expected for the associated phenotype(s). This variant has been observed in one or more individuals affected with the associated recessive disease, as either homozygous or compound heterozygous with a second variant (PMID: 11440996). Functional studies show that this variant may disrupt protein function (PMID: 11440996). Computational prediction algorithms indicate this variant is likely to affect gene or protein function. Given the available evidence, this variant is classified as Likely Pathogenic.

Labcorp Genetics (formerly Invitae), Labcorp
Classification: Pathogenic for Neuronal ceroid lipofuscinosis 1. Last evaluated: 2024-09-04. Review status: criteria provided, single submitter. Criteria: Invitae Variant Classification Sherloc (09022015). Collection method: clinical testing. Allele origin: germline.
Comment: This sequence change replaces tyrosine, which is neutral and polar, with histidine, which is basic and polar, at codon 247 of the PPT1 protein (p.Tyr247His). This variant is present in population databases (rs386833665, gnomAD 0.002%). This missense change has been observed in individual(s) with neuronal ceroid lipofuscinosis (PMID: 9664077, 23857568). ClinVar contains an entry for this variant (Variation ID: 56214). Invitae Evidence Modeling of protein sequence and biophysical properties (such as structural, functional, and spatial information, amino acid conservation, physicochemical variation, residue mobility, and thermodynamic stability) indicates that this missense variant is expected to disrupt PPT1 protein function with a positive predictive value of 95%. Experimental studies have shown that this missense change affects PPT1 function (PMID: 11440996, 29631617). This variant disrupts the p.Tyr247 amino acid residue in PPT1. Other variant(s) that disrupt this residue have been determined to be pathogenic (internal data). This suggests that this residue is clinically significant, and that variants that disrupt this residue are likely to be disease-causing. For these reasons, this variant has been classified as Pathogenic.

Baylor Genetics
Classification: Likely pathogenic for Neuronal ceroid lipofuscinosis 1. Last evaluated: 2024-03-12. Review status: criteria provided, single submitter. Criteria: ACMG Guidelines, 2015. Collection method: clinical testing. Allele origin: unknown.

Women's Health and Genetics/Laboratory Corporation of America, LabCorp
Classification: Likely pathogenic for Neuronal ceroid lipofuscinosis. Last evaluated: 2023-06-06. Review status: criteria provided, single submitter. Criteria: LabCorp Variant Classification Summary - May 2015. Collection method: clinical testing. Allele origin: germline.
Comment: Variant summary: PPT1 c.739T>C (p.Tyr247His) results in a conservative amino acid change in the encoded protein sequence. Four of five in-silico tools predict a damaging effect of the variant on protein function. The variant allele was found at a frequency of 8e-06 in 251396 control chromosomes (gnomAD). c.739T>C has been reported in the literature in individuals affected with Neuronal Ceroid-Lipofuscinosis (Batten Disease) (examples: Das_1998 and Miller_2013). These data indicate that the variant may be associated with disease. At least one publication reports experimental evidence evaluating an impact on protein function. The most pronounced variant effect results in <10% of normal activity (example: Das_2001). A different variant affecting the same residue c.740A>G (p.Tyr247Cys) is classified likely pathogenic in ClinVar (ID 379909), suggesting this residue may be critical for the normal protein function. The following publications have been ascertained in the context of this evaluation (PMID: 11440996, 9664077, 23857568, 29631617, 11073228). Two clinical diagnostic laboratories have submitted clinical-significance assessments for this variant to ClinVar after 2014 and classified the variant as pathogenic/likely pathogenic. Based on the evidence outlined above, the variant was classified as likely pathogenic.

Eurofins Ntd Llc (ga)
Classification: Likely pathogenic. Last evaluated: 2016-12-22. Review status: criteria provided, single submitter. Criteria: EGL Classification Definitions 2015. Collection method: clinical testing. Allele origin: germline. Observed: 1 variant allele, 1 heterozygote.

Juha Muilu Group; Institute for Molecular Medicine Finland (FIMM)
Classification: Likely pathogenic for Ceroid lipofuscinosis neuronal 1. Review status: no assertion criteria provided. Collection method: not provided. Allele origin: unknown. Not counted in ClinVar's aggregate classification.
Comment: FinDis database variant: This variant was not found or characterized by our laboratory, data were collected from public sources: see reference
ClinVar note: Converted during submission from probable-pathogenic to Likely pathogenic.

Literature cited by the submitters: PubMed 11440996 (cited by 3 submitters); PubMed 9664077 (cited by Labcorp Genetics (formerly Invitae), Labcorp and Women's Health and Genetics/Laboratory Corporation of America, LabCorp); PubMed 23857568 (cited by Labcorp Genetics (formerly Invitae), Labcorp and Women's Health and Genetics/Laboratory Corporation of America, LabCorp); PubMed 29631617 (cited by Labcorp Genetics (formerly Invitae), Labcorp and Women's Health and Genetics/Laboratory Corporation of America, LabCorp); PubMed 11073228 (cited by Women's Health and Genetics/Laboratory Corporation of America, LabCorp).

NM_000310.4(PPT1):c.739T>C (p.Tyr247His)

Gene: PPT1 (palmitoyl-protein thioesterase 1; minus strand). Cytogenetic location: 1p34.2.
Variant type: single nucleotide variant.
Coding change: c.739T>C on transcript NM_000310.4 (MANE Select); coding-DNA position 739, T replaced by C.
Protein change: p.Tyr247His; replaces tyrosine 247 with histidine.
Molecular consequence: missense variant. On other transcripts: intron variant (1).
Genome position (GRCh38, 1-based): chr1:40,076,901, A>G on the plus strand (T>C on the coding strand, the complement: PPT1 is on the minus strand). VCF-style: chr1-40076901-A-G. GRCh37 (hg19) VCF-style: chr1-40542573-A-G.
Other names: c.430T>C, p.Tyr144His (NM_001142604.2); c.726+1659T>C (NM_001363695.2); short protein forms Y144H, Y247H.
Identifiers: ClinVar variation 56214 (VCV000056214.17), dbSNP rs386833665, ClinGen allele CA263546.